The following is an entry in ClinVar:

NM_002591.4(PCK1):c.410G>A (p.Arg137His)

Gene: PCK1 (phosphoenolpyruvate carboxykinase 1; plus strand). Cytogenetic location: 20q13.31.
Variant type: single nucleotide variant.
Coding change: c.410G>A on transcript NM_002591.4 (MANE Select); coding-DNA position 410, G replaced by A.
Protein change: p.Arg137His; replaces arginine 137 with histidine.
Molecular consequence: missense variant.
Genome position (GRCh38, 1-based): chr20:57,562,699, G>A. VCF-style: chr20-57562699-G-A. GRCh37 (hg19) VCF-style: chr20-56137755-G-A.
Other names: short protein forms R137H.
Identifiers: ClinVar variation 1217619 (VCV001217619.6), dbSNP rs150560473, ClinGen allele CA9922003.

ClinVar aggregate classification (germline): Uncertain significance. Review status: criteria provided, multiple submitters, no conflicts (2 of 4 stars). 2 submissions from 2 submitters: Uncertain significance (2). Last evaluated 2021-08-20.

Conditions:
Inborn genetic diseases. Identifiers: MedGen C0950123, MeSH D030342.

Allele frequency attached by ClinVar (database versions not stated): ExAC 0.00009; gnomAD 0.00013 and 0.00014; gnomAD exomes 0.00013; TOPMed 0.00015; 1000 Genomes Project 30x 0.00016; 1000 Genomes Project 0.00020; ESP Exome Variant Server 0.00023.

Submissions (2):

Ambry Genetics
Classification: Uncertain significance for Inborn genetic diseases. Last evaluated: 2021-08-20. Review status: criteria provided, single submitter. Criteria: Ambry Variant Classification Scheme 2023. Collection method: clinical testing. Allele origin: germline.

GeneDx
Classification: Uncertain significance. Last evaluated: 2021-01-18. Review status: criteria provided, single submitter. Criteria: GeneDx Variant Classification Process June 2021. Collection method: clinical testing. Allele origin: germline. Affected: yes.
Comment: In silico analysis, which includes protein predictors and evolutionary conservation, supports a deleterious effect; Has not been previously published as pathogenic or benign to our knowledge